The following is an entry in ClinVar:

NM_000393.5(COL5A2):c.3889del (p.Asp1297fs)

Gene: COL5A2 (collagen type V alpha 2 chain; minus strand). Cytogenetic location: 2q32.2.
Variant type: Deletion.
Coding change: c.3889del on transcript NM_000393.5 (MANE Select); coding-DNA position 3889, one base deleted (G; older notation c.3889delG).
Protein change: p.Asp1297fs; shifts the reading frame from aspartic acid 1297.
Molecular consequence: frameshift variant.
Genome position (GRCh38, 1-based): chr2:189,039,308, C deleted on the plus strand (G on the coding strand, the reverse complement: COL5A2 is on the minus strand). VCF-style (leftmost placement, unchanged base first): chr2-189039307-TC-T. GRCh37 (hg19) VCF-style: chr2-189904033-TC-T.
Other names: c.3889delG (NM_000393.5); short protein forms D1297fs.
Identifiers: ClinVar variation 3769103 (VCV003769103.2).

ClinVar aggregate classification (germline): Uncertain significance (1 of 4 stars; one submission).

Submission:

Women's Health and Genetics/Laboratory Corporation of America, LabCorp
Classification: Uncertain significance. Last evaluated: 2025-01-29. Review status: criteria provided, single submitter. Criteria: LabCorp Variant Classification Summary - May 2015. Collection method: clinical testing. Allele origin: germline.
Comment: Variant summary: COL5A2 c.3889delG (p.Asp1297MetfsX3) results in a premature termination codon, predicted to cause a truncation of the encoded protein or absence of the protein due to nonsense mediated decay, however current evidence is not sufficient to establish loss of function as a mechanism for disease. The variant was absent in 250722 control chromosomes (gnomAD). The available data on variant occurrences in the general population are insufficient to allow any conclusion about variant significance. To our knowledge, no occurrence of c.3889delG in individuals affected with Ehlers-Danlos syndrome, classic type, 2 and no experimental evidence demonstrating its impact on protein function have been reported. No submitters have cited clinical-significance assessments for this variant to ClinVar. Based on the evidence outlined above, the variant was classified as uncertain significance.